The following is an entry in ClinVar:

NM_000046.5(ARSB):c.98C>T (p.Ala33Val)

Genes: ARSB (arylsulfatase B; minus strand), LOC129994126 (ATAC-STARR-seq lymphoblastoid silent region 16127; plus strand). Cytogenetic location: 5q14.1.
Variant type: single nucleotide variant.
Coding change: c.98C>T on transcript NM_000046.5 (MANE Select); coding-DNA position 98, C replaced by T.
Protein change: p.Ala33Val; replaces alanine 33 with valine.
Molecular consequence: missense variant.
Genome position (GRCh38, 1-based): chr5:78,985,151, G>A on the plus strand (C>T on the coding strand, the complement: ARSB is on the minus strand). VCF-style: chr5-78985151-G-A. GRCh37 (hg19) VCF-style: chr5-78280974-G-A.
Other names: p.Ala33Val; c.98C>T, p.Ala33Val (NM_198709.3); short protein forms A33V.
Identifiers: ClinVar variation 193036 (VCV000193036.54), dbSNP rs201168448, ClinGen allele CA200274.
Genomic context (GRCh38, chr5:78,985,151, plus strand): 5'-TCTGCCAGCAAGAAGACCAGGTGGGGCGGCCGGCTGGCCCCGGCGCCCGAGCCCGGCGGC[G>A]CCAACAACAGCAGCAGCAGCAGCGGGAGGACGACGGGGAGGAGCAGCCGCCGAGGTCCGG-3'
Protein context (NP_000037.2, residues 23-43): VLPLLLLLLL[Ala33Val]PPGSGAGASR

ClinVar aggregate classification (germline): Benign/Likely benign. Review status: criteria provided, multiple submitters, no conflicts (2 of 4 stars). 15 submissions from 15 submitters: Benign (7); Likely benign (6). 2 of the submissions do not count toward it. Last evaluated 2026-07-01.

Conditions:
ARSB-related disorder. Also called: ARSB-related condition.
Mucopolysaccharidosis type 6 (MPS6). Also called: N-ACETYLGALACTOSAMINE-4-SULFATASE DEFICIENCY; MPS VI; MPS 6; Maroteaux Lamy syndrome; ARSB DEFICIENCY; ARYLSULFATASE B DEFICIENCY. Identifiers: Orphanet 583, MedGen C0026709, MONDO:0009661, OMIM 253200.

Allele frequency attached by ClinVar (database versions not stated): 1000 Genomes Project 0.00220; 1000 Genomes Project 30x 0.00281; TOPMed 0.00852; ESP Exome Variant Server 0.00903; gnomAD 0.00993 and 0.01022; gnomAD exomes 0.01050; ExAC 0.01622.
gnomAD v4.1: 17,684 of 1,453,254 alleles (1.2%); highest among the groups gnomAD compares: Non-Finnish European, 1.3%; 149 homozygotes.

Submissions (15):

CeGaT Center for Human Genetics Tuebingen
Classification: Benign. Last evaluated: 2026-07-01. Review status: criteria provided, single submitter. Criteria: CeGaT Center For Human Genetics Tuebingen Variant Classification Criteria Version 2. Collection method: clinical testing. Allele origin: germline. Affected: yes. Observed: 10 variant alleles.
Comment: ARSB: BS1, BS2

Labcorp Genetics (formerly Invitae), Labcorp
Classification: Benign for Mucopolysaccharidosis type 6. Last evaluated: 2026-02-04. Review status: criteria provided, single submitter. Criteria: Invitae Variant Classification Sherloc (09022015). Collection method: clinical testing. Allele origin: germline.

Mayo Clinic Laboratories, Mayo Clinic
Classification: Likely benign. Last evaluated: 2025-12-15. Review status: criteria provided, single submitter. Criteria: ACMG Guidelines, 2015. Collection method: clinical testing. Allele origin: germline. Observed: 7 variant alleles.
Comment: BS1, BS2

Blueprint Genetics
Classification: Likely benign. Last evaluated: 2024-11-26. Review status: criteria provided, single submitter. Criteria: ACMG Guidelines, 2015. Collection method: clinical testing. Allele origin: germline.

Fulgent Genetics
Classification: Benign for Mucopolysaccharidosis type 6. Last evaluated: 2022-04-18. Review status: criteria provided, single submitter. Criteria: ACMG Guidelines, 2015. Collection method: clinical testing. Allele origin: unknown.

Women's Health and Genetics/Laboratory Corporation of America, LabCorp
Classification: Likely benign. Last evaluated: 2021-12-10. Review status: criteria provided, single submitter. Criteria: LabCorp Variant Classification Summary - May 2015. Collection method: clinical testing. Allele origin: germline.

GeneDx
Classification: Benign. Last evaluated: 2020-11-03. Review status: criteria provided, single submitter. Criteria: GeneDx Variant Classification Process June 2021. Collection method: clinical testing. Allele origin: germline. Affected: yes.
Comment: This variant is associated with the following publications: (PMID: 17458871, 21228398, 22133300)

Mendelics
Classification: Benign for Mucopolysaccharidosis type 6. Last evaluated: 2019-05-28. Review status: criteria provided, single submitter. Criteria: Mendelics Assertion Criteria 2017. Collection method: clinical testing. Allele origin: unknown.

Laboratory of Diagnosis and Therapy of Lysosomal Disorders, University of Padova
Classification: Benign for Mucopolysaccharidosis type 6. Last evaluated: 2018-01-01. Review status: criteria provided, single submitter. Criteria: ACMG Guidelines, 2015. Collection method: curation. Allele origin: germline. Affected: yes.
Comment: Allele frequency greater than expected for disorder (BS1); Homozygotes reported in GnomAD (BS2); Classified benign by a reputable source (BP6)

Illumina Laboratory Services, Illumina
Classification: Likely benign for Mucopolysaccharidosis type 6. Last evaluated: 2017-04-27. Review status: criteria provided, single submitter. Criteria: ICSL Variant Classification Criteria 13 December 2019. Collection method: clinical testing. Allele origin: germline.
Comment: This variant was observed as part of a predisposition screen in an ostensibly healthy population. A literature search was performed for the gene, cDNA change, and amino acid change (where applicable). No publications were found based on this search. Allele frequency data from public databases allowed determination this variant is unlikely to cause disease. Therefore, this variant is classified as likely benign.

Center for Pediatric Genomic Medicine, Children's Mercy Hospital and Clinics
Classification: Likely benign. Last evaluated: 2016-06-16. Review status: criteria provided, single submitter. Criteria: ACMG Guidelines, 2015. Collection method: clinical testing. Allele origin: germline.
ClinVar note: Converted during submission from Likely Benign to Likely benign.

Eurofins Ntd Llc (ga)
Classification: Benign. Last evaluated: 2014-11-19. Review status: criteria provided, single submitter. Criteria: EGL Classification Definitions 2015. Collection method: clinical testing. Allele origin: germline. Observed: 2 variant alleles, 2 heterozygotes.

Breakthrough Genomics
Classification: Likely benign. Review status: criteria provided, single submitter. Criteria: ACMG Guidelines, 2015. Collection method: not provided. Allele origin: germline. Inheritance: Autosomal recessive inheritance. Affected: yes.

PreventionGenetics, part of Exact Sciences
Classification: Likely benign for ARSB-related condition. Last evaluated: 2020-03-23. Review status: no assertion criteria provided. Collection method: clinical testing. Allele origin: germline. Not counted in ClinVar's aggregate classification.
Comment: This variant is classified as likely benign based on ACMG/AMP sequence variant interpretation guidelines (Richards et al. 2015 PMID: 25741868, with internal and published modifications).

Natera, Inc.
Classification: Benign for Mucopolysaccharidosis type VI. Last evaluated: 2019-10-30. Review status: no assertion criteria provided. Collection method: clinical testing. Allele origin: germline. Not counted in ClinVar's aggregate classification.

Literature cited by the submitters: PubMed 17458871 (cited by Laboratory of Diagnosis and Therapy of Lysosomal Disorders, University of Padova and Eurofins Ntd Llc (ga)); PubMed 30118150 (cited by Laboratory of Diagnosis and Therapy of Lysosomal Disorders, University of Padova); PubMed 22133300 (cited by Eurofins Ntd Llc (ga)).